The following is an entry in ClinVar:

ClinVar aggregate classification (germline): Uncertain significance. Review status: criteria provided, multiple submitters, no conflicts (2 of 4 stars). 2 submissions from 2 submitters: Uncertain significance (2). Last evaluated 2022-01-14.

Allele frequency attached by ClinVar (database versions not stated): gnomAD exomes 0.00001 and 0.00002; ExAC 0.00002; gnomAD 0.00002 and 0.00003; TOPMed 0.00003; ESP Exome Variant Server 0.00008.
gnomAD v4.1: 18 of 1,610,490 alleles (0.0011%); highest among the groups gnomAD compares: Admixed American, 0.013%; no homozygotes.

Submissions (2):

Labcorp Genetics (formerly Invitae), Labcorp
Classification: Uncertain significance. Last evaluated: 2022-01-14. Review status: criteria provided, single submitter. Criteria: Invitae Variant Classification Sherloc (09022015). Collection method: clinical testing. Allele origin: germline.
Comment: This sequence change replaces cysteine, which is neutral and slightly polar, with tyrosine, which is neutral and polar, at codon 10 of the CLCC1 protein (p.Cys10Tyr). This variant is present in population databases (rs372449194, gnomAD 0.007%). This variant has not been reported in the literature in individuals affected with CLCC1-related conditions. Algorithms developed to predict the effect of missense changes on protein structure and function are either unavailable or do not agree on the potential impact of this missense change (SIFT: "Tolerated"; PolyPhen-2: "Not Available"; Align-GVGD: "Class C0"). In summary, the available evidence is currently insufficient to determine the role of this variant in disease. Therefore, it has been classified as a Variant of Uncertain Significance.

Breakthrough Genomics
Classification: Uncertain significance. Review status: criteria provided, single submitter. Criteria: ACMG Guidelines, 2015. Collection method: not provided. Allele origin: germline. Inheritance: Autosomal recessive inheritance. Affected: yes.

NM_001377458.1(CLCC1):c.29G>A (p.Cys10Tyr)

Gene: CLCC1 (chloride channel CLIC like 1; minus strand). Cytogenetic location: 1p13.3.
Variant type: single nucleotide variant.
Coding change: c.29G>A on transcript NM_001377458.1 (MANE Select); coding-DNA position 29, G replaced by A.
Protein change: p.Cys10Tyr; replaces cysteine 10 with tyrosine.
Molecular consequence: missense variant. On other transcripts: 5 prime UTR variant (1), non-coding transcript variant (1).
Genome position (GRCh38, 1-based): chr1:108,950,409, C>T on the plus strand (G>A on the coding strand, the complement: CLCC1 is on the minus strand). VCF-style: chr1-108950409-C-T. GRCh37 (hg19) VCF-style: chr1-109493031-C-T.
Other names: c.29G>A, p.Cys10Tyr (NM_001377464.1, NM_001377465.1, NM_001377466.1 and 12 more transcripts); c.-434G>A (NM_001377470.1); short protein forms C10Y.
Identifiers: ClinVar variation 1484017 (VCV001484017.6), dbSNP rs372449194, ClinGen allele CA983693.